The following is an entry in ClinVar:

ClinVar aggregate classification (germline): Uncertain significance (1 of 4 stars; one submission).

Submission:

GeneDx
Classification: Uncertain significance. Last evaluated: 2019-10-16. Review status: criteria provided, single submitter. Criteria: GeneDx Variant Classification Process June 2021. Collection method: clinical testing. Allele origin: germline. Affected: yes.
Comment: Not observed in large population cohorts (Lek et al., 2016); In silico analysis, which includes protein predictors and evolutionary conservation, supports a deleterious effect; Has not been previously published as pathogenic or benign to our knowledge

NM_004380.3(CREBBP):c.6671G>A (p.Gly2224Asp)

Gene: CREBBP (CREB binding protein; minus strand). Cytogenetic location: 16p13.3.
Variant type: single nucleotide variant.
Coding change: c.6671G>A on transcript NM_004380.3 (MANE Select); coding-DNA position 6671, G replaced by A.
Protein change: p.Gly2224Asp; replaces glycine 2224 with aspartic acid.
Molecular consequence: missense variant.
Genome position (GRCh38, 1-based): chr16:3,728,376, C>T on the plus strand (G>A on the coding strand, the complement: CREBBP is on the minus strand). VCF-style: chr16-3728376-C-T. GRCh37 (hg19) VCF-style: chr16-3778377-C-T.
Other names: c.6557G>A, p.Gly2186Asp (NM_001079846.1); short protein forms G2186D, G2224D.
Identifiers: ClinVar variation 1309411 (VCV001309411.2), dbSNP rs1190336637, ClinGen allele CA394552190.
Genomic context (GRCh38, chr16:3,728,376, plus strand): 5'-ATGGCCGGTGGGTAGCCTCCGGGTCCTTGAGGCTGCTGGAACTGGCCGTGCCCCGCCATG[C>T]CCCCAGCCATGCCGGCACTCCCTTGCTGCTGCTGCTGTTGCTGCTGTTGTTGCTGCTGCT-3'
Protein context (NP_004371.2, residues 2214-2234): QQQGSAGMAG[Gly2224Asp]MAGHGQFQQP